The following is an entry in ClinVar:

ClinVar aggregate classification (germline): Pathogenic (1 of 4 stars; one submission).

Conditions:
Tubulinopathy. Also called: Tubulinopathies. Identifiers: MedGen CN850169, MONDO:0100153.

Submission:

Institute of Human Genetics, FAU Erlangen, Friedrich-Alexander-Universität Erlangen-Nürnberg
Classification: Pathogenic for Tubulinopathies. Last evaluated: 2018-07-01. Review status: criteria provided, single submitter. Criteria: ACMG Guidelines, 2015. Collection method: literature only. Allele origin: de novo. Affected: yes. Observed: 1 variant allele.
Comment: The c.1306G>C, p.(Gly436Arg) variant has been reported as a variant of de novo origin. This variant and associated phenotype was previously reported by Bahi-Buisson et al. J Med Genet, 2008 PMID: 18728072. HPO-standardized clinical features were: Hypoplasia of the corpus callosum (HP:0002079); Pachygyria (HP:0001302); Cerebellar vermis hypoplasia (HP:0001320); Hypoplasia of the brainstem (HP:0002365); Microcephaly (HP:0000252); Spasticity (HP:0001257); no Seizures (-HP:0001250); Strabismus (HP:0000486)

Literature cited by the submitters: PubMed 30744660; DOI 10.1101/427948.

NM_006009.4(TUBA1A):c.1306G>C (p.Gly436Arg)

Gene: TUBA1A (tubulin alpha 1a; minus strand). Cytogenetic location: 12q13.12.
Variant type: single nucleotide variant.
Coding change: c.1306G>C on transcript NM_006009.4 (MANE Select); coding-DNA position 1306, G replaced by C.
Protein change: p.Gly436Arg; replaces glycine 436 with arginine.
Molecular consequence: missense variant.
Genome position (GRCh38, 1-based): chr12:49,185,060, C>G on the plus strand (G>C on the coding strand, the complement: TUBA1A is on the minus strand). VCF-style: chr12-49185060-C-G. GRCh37 (hg19) VCF-style: chr12-49578843-C-G.
Other names: c.1306G>C, p.Gly436Arg (NM_001270399.2); c.1201G>C, p.Gly401Arg (NM_001270400.2); short protein forms G436R, G401R.
Identifiers: ClinVar variation 625497 (VCV000625497.2), dbSNP rs1565626860, ClinGen allele CA384633237.